The following is an entry in ClinVar:

ClinVar aggregate classification (germline): Uncertain significance (1 of 4 stars; one submission).

Allele frequency attached by ClinVar (database versions not stated): gnomAD exomes below 0.00001; TOPMed below 0.00001.
gnomAD v4.1: 1 of 1,211,673 alleles (0.000083%); highest among the groups gnomAD compares: Non-Finnish European, 0.00011%; no homozygotes.

Submission:

GeneDx
Classification: Uncertain significance. Last evaluated: 2019-08-30. Review status: criteria provided, single submitter. Criteria: GeneDx Variant Classification Process June 2021. Collection method: clinical testing. Allele origin: germline. Affected: yes.
Comment: Not observed in large population cohorts (Lek et al., 2016); In silico analysis, which includes protein predictors and evolutionary conservation, supports a deleterious effect; Has not been previously published as pathogenic or benign to our knowledge

NM_001830.4(CLCN4):c.365C>A (p.Thr122Asn)

Gene: CLCN4 (chloride voltage-gated channel 4; plus strand). Cytogenetic location: Xp22.2.
Variant type: single nucleotide variant.
Coding change: c.365C>A on transcript NM_001830.4 (MANE Select); coding-DNA position 365, C replaced by A.
Protein change: p.Thr122Asn; replaces threonine 122 with asparagine.
Molecular consequence: missense variant.
Genome position (GRCh38, 1-based): chrX:10,195,031, C>A. VCF-style: chrX-10195031-C-A. GRCh37 (hg19) VCF-style: chrX-10163071-C-A.
Other names: c.83C>A, p.Thr28Asn (NM_001256944.2); short protein forms T122N, T28N.
Identifiers: ClinVar variation 1211874 (VCV001211874.3), dbSNP rs1924061396, ClinGen allele CA412034266.